The following is an entry in ClinVar:

NM_020549.5(CHAT):c.1211C>T (p.Ala404Val)

Gene: CHAT (choline O-acetyltransferase; plus strand). Cytogenetic location: 10q11.23.
Variant type: single nucleotide variant.
Coding change: c.1211C>T on transcript NM_020549.5 (MANE Select); coding-DNA position 1211, C replaced by T.
Protein change: p.Ala404Val; replaces alanine 404 with valine.
Molecular consequence: missense variant.
Genome position (GRCh38, 1-based): chr10:49,646,604, C>T. VCF-style: chr10-49646604-C-T. GRCh37 (hg19) VCF-style: chr10-50854650-C-T.
Other names: c.857C>T, p.Ala286Val (NM_001142929.2, NM_001142934.2, NM_020984.4 and 2 more transcripts); c.965C>T, p.Ala322Val (NM_001142933.2); short protein forms A286V, A404V, A322V.
Identifiers: ClinVar variation 623654 (VCV000623654.2), dbSNP rs192592698, ClinGen allele CA5497411.
Genomic context (GRCh38, chr10:49,646,604, plus strand): 5'-GCATCTGCCTTGTATGCCTGGACGCGCCAGGAGGCGTGGAGCTCAGCGACACCCACAGGG[C>T]ACTCCAGCTCCTTCACGGCGGAGGCTACAGCAAGAACGGGGCCAATCGCTGGTACGACAA-3'
Protein context (NP_065574.4, residues 394-414): GGVELSDTHR[Ala404Val]LQLLHGGGYS

ClinVar aggregate classification (germline): Uncertain significance (1 of 4 stars; one submission).

Conditions:
Familial infantile myasthenia (CMS6). Also called: MYASTHENIC SYNDROME, PRESYNAPTIC, CONGENITAL, ASSOCIATED WITH EPISODIC APNEA; MYASTHENIC SYNDROME, CONGENITAL, 6, PRESYNAPTIC; Congenital myasthenic syndrome type 6. Identifiers: Orphanet 590, MedGen C0393929, MONDO:0009689, OMIM 254210.

Allele frequency attached by ClinVar (database versions not stated): TOPMed below 0.00001; gnomAD 0.00001; gnomAD exomes 0.00001; ExAC 0.00002; 1000 Genomes Project 30x 0.00016; 1000 Genomes Project 0.00020.
gnomAD v4.1: 2 of 1,614,252 alleles (0.00012%); highest among the groups gnomAD compares: African/African-American, 0.0027%; no homozygotes.

Submission:

HudsonAlpha Institute for Biotechnology
Classification: Uncertain significance for Familial infantile myasthenia. Last evaluated: 2018-09-06. Review status: criteria provided, single submitter. Criteria: ACMG Guidelines, 2015. Collection method: research. Allele origin: unknown. Affected: yes. Observed: 1 variant allele. Study: CSER-SouthSeq.
Comment: ACMG codes: PM2, PP3, PP4